The following is an entry in ClinVar:

NM_000540.3(RYR1):c.7691A>C (p.Lys2564Thr)

Gene: RYR1 (ryanodine receptor 1; plus strand). Cytogenetic location: 19q13.2.
Variant type: single nucleotide variant.
Coding change: c.7691A>C on transcript NM_000540.3 (MANE Select); coding-DNA position 7691, A replaced by C.
Protein change: p.Lys2564Thr; replaces lysine 2564 with threonine.
Molecular consequence: missense variant.
Genome position (GRCh38, 1-based): chr19:38,502,583, A>C. VCF-style: chr19-38502583-A-C. GRCh37 (hg19) VCF-style: chr19-38993223-A-C.
Other names: c.7691A>C, p.Lys2564Thr (NM_001042723.2); short protein forms K2564T.
Identifiers: ClinVar variation 3070833 (VCV003070833.1), dbSNP rs2514333424, ClinGen allele CA405671632.

ClinVar aggregate classification (germline): Uncertain significance (1 of 4 stars; one submission).

Conditions:
Malignant hyperthermia, susceptibility to, 1 (MHS1). Also called: Anesthesia related hyperthermia; Malignant hyperpyrexia; Fulminating hyperpyrexia; Pharmacogenic myopathy; RYR1-Related Malignant Hyperthermia Susceptibility; Malignant hyperthermia suceptibility 1. Identifiers: Orphanet 423, MedGen C2930980, MONDO:0007783, OMIM 145600.

Submission:

All of Us Research Program, National Institutes of Health
Classification: Uncertain significance for Malignant hyperthermia, susceptibility to, 1. Last evaluated: 2023-05-04. Review status: criteria provided, single submitter. Criteria: ACMG Guidelines, 2015. Collection method: clinical testing. Allele origin: germline. Inheritance: Autosomal dominant inheritance. Observed: 1 variant allele, 1 heterozygote.
Comment: This missense variant replaces lysine with threonine at codon 2564 of the RYR1 protein. Computational prediction is inconclusive regarding the impact of this variant on protein structure and function (internally defined REVEL score threshold 0.5 < inconclusive < 0.7, PMID: 27666373). To our knowledge, functional studies have not been reported for this variant. This variant has not been reported in individuals affected with RYR1-related disorders in the literature. This variant has not been identified in the general population by the Genome Aggregation Database (gnomAD). The available evidence is insufficient to determine the role of this variant in disease conclusively. Therefore, this variant is classified as a Variant of Uncertain Significance.

This study involves interpretation of variants in research participants for the purpose of population health screening. Participant phenotype was not available at the time of variant classification. Additional details can be found in publication PMID: 35346344, PMCID: PMC8962531